The following is an entry in ClinVar:

NM_001145165.2(DOHH):c.432C>A (p.Tyr144Ter)

Gene: DOHH (deoxyhypusine hydroxylase; minus strand). Cytogenetic location: 19p13.3.
Variant type: single nucleotide variant.
Coding change: c.432C>A on transcript NM_001145165.2 (MANE Select); coding-DNA position 432, C replaced by A.
Protein change: p.Tyr144Ter; replaces tyrosine 144 with a stop codon.
Molecular consequence: nonsense.
Genome position (GRCh38, 1-based): chr19:3,492,419, G>T on the plus strand (C>A on the coding strand, the complement: DOHH is on the minus strand). VCF-style: chr19-3492419-G-T. GRCh37 (hg19) VCF-style: chr19-3492417-G-T.
Other names: c.432C>A, p.Tyr144Ter (NM_031304.5); short protein forms Y144*.
Identifiers: ClinVar variation 5005963 (VCV005005963.2).

ClinVar aggregate classification (germline): Uncertain significance (1 of 4 stars; one submission).

Conditions:
Neurodevelopmental disorder with microcephaly, cerebral atrophy, and visual impairment (NEDMVIC). Identifiers: MedGen C5774225, MONDO:0859293, OMIM 620066.

Submission:

Juno Genomics, Hangzhou Juno Genomics, Inc
Classification: Uncertain significance for Neurodevelopmental disorder with microcephaly, cerebral atrophy, and visual impairment. Review status: criteria provided, single submitter. Criteria: ACMG Guidelines, 2015. Collection method: clinical testing. Allele origin: germline.
Comment: Absent from controls (or at extremely low frequency if recessive) in Genome Aggregation Database.